The following is an entry in ClinVar:

NM_001330288.2(SMARCC2):c.959C>T (p.Pro320Leu)

Gene: SMARCC2 (SWI/SNF related BAF chromatin remodeling complex subunit C2; minus strand). Cytogenetic location: 12q13.2.
Variant type: single nucleotide variant.
Coding change: c.959C>T on transcript NM_001330288.2 (MANE Select); coding-DNA position 959, C replaced by T.
Protein change: p.Pro320Leu; replaces proline 320 with leucine.
Molecular consequence: missense variant.
Genome position (GRCh38, 1-based): chr12:56,181,099, G>A on the plus strand (C>T on the coding strand, the complement: SMARCC2 is on the minus strand). VCF-style: chr12-56181099-G-A. GRCh37 (hg19) VCF-style: chr12-56574883-G-A.
Other names: c.959C>T, p.Pro320Leu (NM_001130420.3, NM_003075.5, NM_139067.4); short protein forms P320L.
Identifiers: ClinVar variation 3896283 (VCV003896283.2).

ClinVar aggregate classification (germline): Uncertain significance (1 of 4 stars; one submission).

Submission:

Women's Health and Genetics/Laboratory Corporation of America, LabCorp
Classification: Uncertain significance. Last evaluated: 2025-04-14. Review status: criteria provided, single submitter. Criteria: LabCorp Variant Classification Summary - May 2015. Collection method: clinical testing. Allele origin: germline.
Comment: Variant summary: SMARCC2 c.959C>T (p.Pro320Leu) results in a non-conservative amino acid change in the encoded protein sequence. Four of five in-silico tools predict a damaging effect of the variant on protein function. Consensus agreement among computation tools predict no significant impact on normal splicing. However, these predictions have yet to be confirmed by functional studies. The variant was absent in 247846 control chromosomes. The available data on variant occurrences in the general population are insufficient to allow any conclusion about variant significance. To our knowledge, no occurrence of c.959C>T in individuals affected with Coffin-Siris Syndrome 8 and no experimental evidence demonstrating its impact on protein function have been reported. No submitters have cited clinical-significance assessments for this variant to ClinVar. Based on the evidence outlined above, the variant was classified as uncertain significance.